The following is an entry in ClinVar:

ClinVar aggregate classification (germline): Uncertain significance (1 of 4 stars; one submission).

Conditions:
Hypogonadotropic hypogonadism 1 with or without anosmia (HH1). Also called: Kallmann syndrome, type 1, X-linked; DYSPLASIA OLFACTOGENITALIS OF DE MORSIER; HYPOGONADOTROPIC HYPOGONADISM 1 WITH ANOSMIA; KAL1-Related GnRH Deficiency (Kallmann Syndrome 1; Kallmann Syndrome, X-Linked); Hypogonadotropic hypogonadism 1 with or without anosmia (Kallmann syndrome 1); HYPOGONADOTROPIC HYPOGONADISM AND ANOSMIA. Identifiers: Orphanet 478, MedGen C1563719, MONDO:0010635, OMIM 308700. Disease mechanism: loss of function.

Submission:

Victorian Clinical Genetics Services, Murdoch Childrens Research Institute
Classification: Uncertain significance for Hypogonadotropic hypogonadism 1 with or without anosmia. Last evaluated: 2024-12-30. Review status: criteria provided, single submitter. Criteria: ACMG Guidelines, 2015. Collection method: clinical testing. Allele origin: germline. Affected: yes.
Comment: This variant is classified as VUS-3B. Evidence in support of pathogenic classification: Variant is absent from gnomAD (v2, v3 and v4). Additional information: Variant is predicted to result in a missense amino acid change from threonine to serine; This variant is heterozygous; This gene is associated with X-linked recessive disease; Alternative amino acid change(s) at the same position are present in gnomAD (Highest allele count: v4: 0 heterozygote(s), 0 homozygote(s), 1 hemizygote(s)); This variant has no previous evidence of pathogenicity; No published segregation evidence has been identified for this variant; No published functional evidence has been identified for this variant; No comparable missense variants have previous evidence for pathogenicity; Variant is located in the annotated fibronectin type III domain (DECIPHER); Missense variant with inconclusive in silico prediction and uninformative conservation; Loss of function is a known mechanism of disease in this gene and is associated with hypogonadotropic hypogonadism 1 with or without anosmia (Kallmann syndrome 1) (MIM#308700); Inheritance information for this variant is not currently available in this individual.

NM_000216.4(ANOS1):c.1747A>T (p.Thr583Ser)

Gene: ANOS1 (anosmin 1; minus strand). Cytogenetic location: Xp22.31.
Variant type: single nucleotide variant.
Coding change: c.1747A>T on transcript NM_000216.4 (MANE Select); coding-DNA position 1747, A replaced by T.
Protein change: p.Thr583Ser; replaces threonine 583 with serine.
Molecular consequence: missense variant.
Genome position (GRCh38, 1-based): chrX:8,535,686, T>A on the plus strand (A>T on the coding strand, the complement: ANOS1 is on the minus strand). VCF-style: chrX-8535686-T-A. GRCh37 (hg19) VCF-style: chrX-8503727-T-A.
Other names: short protein forms T583S.
Identifiers: ClinVar variation 4531360 (VCV004531360.1).